The following is an entry in ClinVar:

ClinVar aggregate classification (germline): Uncertain significance. Review status: criteria provided, multiple submitters, no conflicts (2 of 4 stars). 2 submissions from 2 submitters: Uncertain significance (2). Last evaluated 2025-04-22.

Conditions:
Oto-palato-digital syndrome, type II (OPD2). Also called: FACIOPALATOOSSEOUS SYNDROME; OPD II SYNDROME; Otopalatodigital Syndrome, Type II; Otopalatodigital Syndrome Type 2 (FLNA-OPD2). Identifiers: Orphanet 669, Orphanet 90652, MedGen C1844696, MONDO:0010571, OMIM 304120.
Heterotopia, periventricular, X-linked dominant (PVNH1). Also called: PERIVENTRICULAR NODULAR HETEROTOPIA 1; X-linked periventricular heterotopia; PERIVENTRICULAR NODULAR HETEROTOPIA 4; HETEROTOPIA, PERIVENTRICULAR, 1. Identifiers: Orphanet 2149, Orphanet 82004, MedGen C1848213, MONDO:0010233, OMIM 300049.
Frontometaphyseal dysplasia (FMD1). Identifiers: Orphanet 1826, MedGen C0265293, MONDO:0015942.
Melnick-Needles syndrome (MNS). Also called: MELNICK-NEEDLES OSTEODYSPLASTY; OSTEODYSPLASTY OF MELNICK AND NEEDLES; Melnick-Needles Syndrome (FLNA-MNS). Identifiers: Orphanet 2484, MedGen C0025237, MONDO:0010650, OMIM 309350.

Submissions (2):

Mayo Clinic Laboratories, Mayo Clinic
Classification: Uncertain significance. Last evaluated: 2025-04-22. Review status: criteria provided, single submitter. Criteria: ACMG Guidelines, 2015. Collection method: clinical testing. Allele origin: germline. Observed: 1 variant allele.
Comment: PP2, PP3_moderate, PM2_supporting

Labcorp Genetics (formerly Invitae), Labcorp
Classification: Uncertain significance for Oto-palato-digital syndrome, type II; Heterotopia, periventricular, X-linked dominant; Frontometaphyseal dysplasia; Melnick-Needles syndrome. Last evaluated: 2024-06-20. Review status: criteria provided, single submitter. Criteria: Invitae Variant Classification Sherloc (09022015). Collection method: clinical testing. Allele origin: germline.
Comment: This sequence change replaces threonine, which is neutral and polar, with methionine, which is neutral and non-polar, at codon 2093 of the FLNA protein (p.Thr2093Met). This variant is not present in population databases (gnomAD no frequency). This variant has not been reported in the literature in individuals affected with FLNA-related conditions. Advanced modeling of protein sequence and biophysical properties (such as structural, functional, and spatial information, amino acid conservation, physicochemical variation, residue mobility, and thermodynamic stability) performed at Invitae indicates that this missense variant is not expected to disrupt FLNA protein function with a negative predictive value of 95%. In summary, the available evidence is currently insufficient to determine the role of this variant in disease. Therefore, it has been classified as a Variant of Uncertain Significance.

NM_001110556.2(FLNA):c.6302C>T (p.Thr2101Met)

Gene: FLNA (filamin A; minus strand). Cytogenetic location: Xq28.
Variant type: single nucleotide variant.
Coding change: c.6302C>T on transcript NM_001110556.2 (MANE Select); coding-DNA position 6302, C replaced by T.
Protein change: p.Thr2101Met; replaces threonine 2101 with methionine.
Molecular consequence: missense variant.
Genome position (GRCh38, 1-based): chrX:154,352,849, G>A on the plus strand (C>T on the coding strand, the complement: FLNA is on the minus strand). VCF-style: chrX-154352849-G-A. GRCh37 (hg19) VCF-style: chrX-153581217-G-A.
Other names: p.Thr2093Met; c.6278C>T (NM_001456.3); c.6278C>T, p.Thr2093Met (NM_001456.4); short protein forms T2093M, T2101M.
Identifiers: ClinVar variation 2935514 (VCV002935514.4), dbSNP rs1289908513, ClinGen allele CA415193836.